The following is an entry in ClinVar:

ClinVar aggregate classification (germline): Benign/Likely benign. Review status: criteria provided, multiple submitters, no conflicts (2 of 4 stars). 3 submissions from 3 submitters: Benign (1); Likely benign (2). Last evaluated 2026-04-24.

Conditions:
Colorectal cancer, susceptibility to, 1. Also called: COLORECTAL ADENOMA AND CANCER, SUSCEPTIBILITY TO; COLORECTAL CANCER, SUSCEPTIBILITY TO, ON CHROMOSOME 9. Identifiers: MedGen C1837315, MONDO:0012132, OMIM 608812.

Allele frequency attached by ClinVar (database versions not stated): gnomAD exomes below 0.00001.
gnomAD v4.1: 7 of 1,614,144 alleles (0.00043%); highest among the groups gnomAD compares: East Asian, 0.013%; no homozygotes.

Submissions (3):

Myriad Genetics, Inc.
Classification: Benign for Colorectal cancer, susceptibility to, 1. Last evaluated: 2026-04-24. Review status: criteria provided, single submitter. Criteria: Myriad Autosomal Dominant, Autosomal Recessive and X-Linked Classification Criteria (2023). Collection method: clinical testing. Allele origin: unknown.
Comment: This variant is considered benign. This variant is a silent/synonymous amino acid change and it is not expected to impact splicing.

Labcorp Genetics (formerly Invitae), Labcorp
Classification: Likely benign. Last evaluated: 2025-05-18. Review status: criteria provided, single submitter. Criteria: Invitae Variant Classification Sherloc (09022015). Collection method: clinical testing. Allele origin: germline.

Ambry Genetics
Classification: Likely benign. Last evaluated: 2017-03-06. Review status: criteria provided, single submitter. Criteria: Ambry Variant Classification Scheme 2023. Collection method: clinical testing. Allele origin: germline.

NM_024642.5(GALNT12):c.849G>T (p.Leu283=)

Gene: GALNT12 (polypeptide N-acetylgalactosaminyltransferase 12; plus strand). Cytogenetic location: 9q22.33.
Variant type: single nucleotide variant.
Coding change: c.849G>T on transcript NM_024642.5 (MANE Select); coding-DNA position 849, G replaced by T.
Protein change: p.Leu283=; no amino-acid change (leucine 283 retained).
Molecular consequence: synonymous variant.
Genome position (GRCh38, 1-based): chr9:98,831,889, G>T. VCF-style: chr9-98831889-G-T. GRCh37 (hg19) VCF-style: chr9-101594171-G-T.
Identifiers: ClinVar variation 485646 (VCV000485646.9), dbSNP rs1445593756, ClinGen allele CA466424858.